The following is an entry in ClinVar:

ClinVar aggregate classification (germline): Likely benign (1 of 4 stars; one submission).

Conditions:
VPS13B-related disorder. Also called: VPS13B-related condition.

Submission:

PreventionGenetics, part of Exact Sciences
Classification: Likely benign for VPS13B-related condition. Last evaluated: 2025-01-16. Review status: criteria provided, single submitter. Criteria: ACMG Guidelines, 2015. Collection method: clinical testing. Allele origin: germline.
Comment: This variant is classified as likely benign based on ACMG/AMP sequence variant interpretation guidelines (Richards et al. 2015 PMID: 25741868, with internal and published modifications).

NM_152564.5(VPS13B):c.147+8A>G

Gene: VPS13B (vacuolar protein sorting 13 homolog B; plus strand). Cytogenetic location: 8q22.2.
Variant type: single nucleotide variant.
Coding change: c.147+8A>G on transcript NM_152564.5 (MANE Select); 8 bases into the intron after coding-DNA position 147, A replaced by G.
Molecular consequence: intron variant.
Genome position (GRCh38, 1-based): chr8:99,013,943, A>G. VCF-style: chr8-99013943-A-G. GRCh37 (hg19) VCF-style: chr8-100026171-A-G.
Other names: c.147+8A>G (NM_017890.5, NM_015243.3, NM_181661.3).
Identifiers: ClinVar variation 5001426 (VCV005001426.1).
Genomic context (GRCh38, chr8:99,013,943, plus strand): 5'-GTGGAGACGTGGTACTCAGCAAGCTCGAGTTAAAGTTGGATGTGCTGGAACAGGTAAGCT[A>G]TTTAGCTGTCATTAACTGGAAACAGTTTTCAGCTTGTTTAGACGGTAATCTATTGTTTCC-3'